The following is an entry in ClinVar:

NM_020461.4(TUBGCP6):c.4562G>A (p.Arg1521Gln)

Gene: TUBGCP6 (tubulin gamma complex component 6; minus strand). Cytogenetic location: 22q13.33.
Variant type: single nucleotide variant.
Coding change: c.4562G>A on transcript NM_020461.4 (MANE Select); coding-DNA position 4562, G replaced by A.
Protein change: p.Arg1521Gln; replaces arginine 1521 with glutamine.
Molecular consequence: missense variant.
Genome position (GRCh38, 1-based): chr22:50,219,132, C>T on the plus strand (G>A on the coding strand, the complement: TUBGCP6 is on the minus strand). VCF-style: chr22-50219132-C-T. GRCh37 (hg19) VCF-style: chr22-50657561-C-T.
Other names: short protein forms R1521Q.
Identifiers: ClinVar variation 634513 (VCV000634513.11), dbSNP rs748632851, ClinGen allele CA10307446.

ClinVar aggregate classification (germline): Uncertain significance. Review status: criteria provided, multiple submitters, no conflicts (2 of 4 stars). 2 submissions from 2 submitters: Uncertain significance (2). Last evaluated 2022-03-09.

Conditions:
Microcephaly and chorioretinopathy 1. Also called: Microcephaly and chorioretinopathy, autosomal recessive, 1. Identifiers: MedGen C3278481, MONDO:0009624, OMIM 251270.

Allele frequency attached by ClinVar (database versions not stated): gnomAD exomes below 0.00001 and 0.00001; ExAC 0.00001.
gnomAD v4.1: 8 of 1,613,088 alleles (0.0005%); highest among the groups gnomAD compares: South Asian, 0.0044%; no homozygotes.

Submissions (2):

Labcorp Genetics (formerly Invitae), Labcorp
Classification: Uncertain significance. Last evaluated: 2022-03-09. Review status: criteria provided, single submitter. Criteria: Invitae Variant Classification Sherloc (09022015). Collection method: clinical testing. Allele origin: germline.
Comment: ClinVar contains an entry for this variant (Variation ID: 634513). In summary, the available evidence is currently insufficient to determine the role of this variant in disease. Therefore, it has been classified as a Variant of Uncertain Significance. Algorithms developed to predict the effect of missense changes on protein structure and function are either unavailable or do not agree on the potential impact of this missense change (SIFT: "Deleterious"; PolyPhen-2: "Probably Damaging"; Align-GVGD: "Class C0"). This variant has not been reported in the literature in individuals affected with TUBGCP6-related conditions. The frequency data for this variant in the population databases is considered unreliable, as metrics indicate poor data quality at this position in the gnomAD database. This sequence change replaces arginine, which is basic and polar, with glutamine, which is neutral and polar, at codon 1521 of the TUBGCP6 protein (p.Arg1521Gln).

Genomic Research Center, Shahid Beheshti University of Medical Sciences
Classification: Uncertain significance for Microcephaly with chorioretinopathy, autosomal recessive. Last evaluated: 2019-01-01. Review status: criteria provided, single submitter. Criteria: ACMG Guidelines, 2015. Collection method: clinical testing. Allele origin: unknown. Affected: yes. Observed: 1 variant allele.